The following is an entry in ClinVar:

NM_000355.4(TCN2):c.826G>A (p.Ala276Thr)

Gene: TCN2 (transcobalamin 2; plus strand). Cytogenetic location: 22q12.2.
Variant type: single nucleotide variant.
Coding change: c.826G>A on transcript NM_000355.4 (MANE Select); coding-DNA position 826, G replaced by A.
Protein change: p.Ala276Thr; replaces alanine 276 with threonine.
Molecular consequence: missense variant.
Genome position (GRCh38, 1-based): chr22:30,615,673, G>A. VCF-style: chr22-30615673-G-A. GRCh37 (hg19) VCF-style: chr22-31011660-G-A.
Other names: c.745G>A, p.Ala249Thr (NM_001184726.2); short protein forms A249T, A276T.
Identifiers: ClinVar variation 4811283 (VCV004811283.1).

ClinVar aggregate classification (germline): Uncertain significance (1 of 4 stars; one submission).

Conditions:
Transcobalamin II deficiency (TCN2D). Also called: TC II DEFICIENCY; TCN2 DEFICIENCY; Transcolabamin II deficiency. Identifiers: Orphanet 859, MedGen C0342701, MONDO:0010149, OMIM 275350.

Submission:

Labcorp Genetics (formerly Invitae), Labcorp
Classification: Uncertain significance for Transcobalamin II deficiency. Last evaluated: 2025-03-19. Review status: criteria provided, single submitter. Criteria: Invitae Variant Classification Sherloc (09022015). Collection method: clinical testing. Allele origin: germline.
Comment: This sequence change replaces alanine, which is neutral and non-polar, with threonine, which is neutral and polar, at codon 276 of the TCN2 protein (p.Ala276Thr). This variant is not present in population databases (gnomAD no frequency). This variant has not been reported in the literature in individuals affected with TCN2-related conditions. Invitae Evidence Modeling of protein sequence and biophysical properties (such as structural, functional, and spatial information, amino acid conservation, physicochemical variation, residue mobility, and thermodynamic stability) indicates that this missense variant is not expected to disrupt TCN2 protein function with a negative predictive value of 80%. In summary, the available evidence is currently insufficient to determine the role of this variant in disease. Therefore, it has been classified as a Variant of Uncertain Significance.